The following is an entry in ClinVar:

ClinVar aggregate classification (germline): Likely benign (1 of 4 stars; one submission).

Conditions:
PEX1-related disorder. Also called: PEX1-related condition.

gnomAD v4.1: 28 of 1,533,690 alleles (0.0018%); highest among the groups gnomAD compares: South Asian, 0.031%; 1 homozygote.

Submission:

PreventionGenetics, part of Exact Sciences
Classification: Likely benign for PEX1-related condition. Last evaluated: 2024-12-10. Review status: criteria provided, single submitter. Criteria: ACMG Guidelines, 2015. Collection method: clinical testing. Allele origin: germline.
Comment: This variant is classified as likely benign based on ACMG/AMP sequence variant interpretation guidelines (Richards et al. 2015 PMID: 25741868, with internal and published modifications).

NM_000466.3(PEX1):c.*2A>G

Genes: GATAD1 (GATA zinc finger domain containing 1; plus strand), PEX1 (peroxisomal biogenesis factor 1; minus strand). Cytogenetic location: 7q21.2.
Variant type: single nucleotide variant.
Coding change: c.*2A>G on transcript NM_000466.3 (MANE Select); 2 bases downstream of the stop codon, A replaced by G.
Molecular consequence: 3 prime UTR variant.
Genome position (GRCh38, 1-based): chr7:92,487,455, T>C on the plus strand (A>G on the coding strand, the complement: PEX1 is on the minus strand). VCF-style: chr7-92487455-T-C. GRCh37 (hg19) VCF-style: chr7-92116769-T-C.
Other names: c.*2A>G (NM_001282677.2, NM_001282678.2).
Identifiers: ClinVar variation 4988058 (VCV004988058.1).